The following is an entry in ClinVar:

ClinVar aggregate classification (germline): Likely benign. Review status: criteria provided, multiple submitters, no conflicts (2 of 4 stars). 3 submissions from 3 submitters: Likely benign (3). Last evaluated 2025-03-19.

Allele frequency attached by ClinVar (database versions not stated): gnomAD exomes 0.00006 and 0.00014; ExAC 0.00027; gnomAD 0.00037 and 0.00040; 1000 Genomes Project 0.00040; TOPMed 0.00053; 1000 Genomes Project 30x 0.00062.
gnomAD v4.1: 141 of 1,550,130 alleles (0.0091%); highest among the groups gnomAD compares: African/African-American, 0.11%; no homozygotes.

Submissions (3):

Mayo Clinic Laboratories, Mayo Clinic
Classification: Likely benign. Last evaluated: 2025-03-19. Review status: criteria provided, single submitter. Criteria: ACMG Guidelines, 2015. Collection method: clinical testing. Allele origin: germline. Observed: 1 variant allele.
Comment: BP4, BP7, PM2_supporting

Blueprint Genetics
Classification: Likely benign. Last evaluated: 2024-09-17. Review status: criteria provided, single submitter. Criteria: ACMG Guidelines, 2015. Collection method: clinical testing. Allele origin: germline.

Labcorp Genetics (formerly Invitae), Labcorp
Classification: Likely benign. Last evaluated: 2024-07-04. Review status: criteria provided, single submitter. Criteria: Invitae Variant Classification Sherloc (09022015). Collection method: clinical testing. Allele origin: germline.

NM_001142864.4(PIEZO1):c.3666C>T (p.Asn1222=)

Gene: PIEZO1 (piezo type mechanosensitive ion channel component 1 (Er blood group); minus strand). Cytogenetic location: 16q24.3.
Variant type: single nucleotide variant.
Coding change: c.3666C>T on transcript NM_001142864.4 (MANE Select); coding-DNA position 3666, C replaced by T.
Protein change: p.Asn1222=; no amino-acid change (asparagine 1222 retained).
Molecular consequence: synonymous variant.
Genome position (GRCh38, 1-based): chr16:88,726,748, G>A on the plus strand (C>T on the coding strand, the complement: PIEZO1 is on the minus strand). VCF-style: chr16-88726748-G-A. GRCh37 (hg19) VCF-style: chr16-88793156-G-A.
Other names: p.Asn1222=.
Identifiers: ClinVar variation 715686 (VCV000715686.7), dbSNP rs376432833, ClinGen allele CA8232432.